The following is an entry in ClinVar:

ClinVar aggregate classification (germline): Conflicting classifications of pathogenicity. Review status: criteria provided, conflicting classifications (1 of 4 stars). 5 submissions from 5 submitters: Uncertain significance (2); Likely benign (2). 1 of the submissions does not count toward it. Last evaluated 2025-01-23.

Conditions:
CHD7-related disorder. Also called: CHD7-related condition.
CHARGE syndrome (CHARGE). Also called: Hittner Hirsch Kreh syndrome; Coloboma, heart anomaly, choanal atresia, retardation, genital and ear anomalies; CHARGE association; Hall-Hittner syndrome; CHARGE ASSOCIATION--COLOBOMA, HEART ANOMALY, CHOANAL ATRESIA, RETARDATION, GENITAL AND EAR ANOMALIES. Identifiers: Orphanet 138, MedGen C0265354, MONDO:0008965.

Allele frequency attached by ClinVar (database versions not stated): gnomAD 0.00001; gnomAD exomes 0.00001; ExAC 0.00002; TOPMed 0.00002.
gnomAD v4.1: 28 of 1,581,550 alleles (0.0018%); highest among the groups gnomAD compares: Middle Eastern, 0.051%; no homozygotes.

Submissions (5):

Labcorp Genetics (formerly Invitae), Labcorp
Classification: Likely benign for CHARGE syndrome. Last evaluated: 2025-01-23. Review status: criteria provided, single submitter. Criteria: Invitae Variant Classification Sherloc (09022015). Collection method: clinical testing. Allele origin: germline.

Blueprint Genetics
Classification: Uncertain significance. Last evaluated: 2024-03-07. Review status: criteria provided, single submitter. Criteria: ACMG Guidelines, 2015. Collection method: clinical testing. Allele origin: germline.

New York Genome Center
Classification: Uncertain significance for CHD7-related CHARGE syndrome. Last evaluated: 2021-02-09. Review status: criteria provided, single submitter. Criteria: NYGC Assertion Criteria 2020. Collection method: clinical testing. Allele origin: inherited. Observed: 1 heterozygote. Study: CSER-NYCKidSeq.

GeneDx
Classification: Likely benign. Last evaluated: 2019-02-13. Review status: criteria provided, single submitter. Criteria: GeneDx Variant Classification Process June 2021. Collection method: clinical testing. Allele origin: germline. Affected: yes.
Comment: This variant is associated with the following publications: (PMID: 33270637)

PreventionGenetics, part of Exact Sciences
Classification: Uncertain significance for CHD7-related condition. Last evaluated: 2023-11-16. Review status: no assertion criteria provided. Collection method: clinical testing. Allele origin: germline. Not counted in ClinVar's aggregate classification.
Comment: The CHD7 c.1696C>G variant is predicted to result in the amino acid substitution p.Pro566Ala. This variant was reported in an individual with pituitary stalk interruption syndrome (Brauner et al. 2020. PubMed ID: 33270637) and in an individual with a disorder of sexual development (Table S1, Zidoune et al. 2022. PubMed ID: 36110220). This variant is reported in 0.0035% of alleles in individuals of Latino descent in gnomAD, which may be too common to be a cause of disease. Although we suspect that this variant may be benign, at this time, the clinical significance of this variant is uncertain due to the absence of conclusive functional and genetic evidence.

NM_017780.4(CHD7):c.1696C>G (p.Pro566Ala)

Genes: CHD7 (chromodomain helicase DNA binding protein 7; plus strand), LOC126860403 (CDK7 strongly-dependent group 2 enhancer GRCh37_chr8:61693034-61694233; plus strand). Cytogenetic location: 8q12.2.
Variant type: single nucleotide variant.
Coding change: c.1696C>G on transcript NM_017780.4 (MANE Select); coding-DNA position 1696, C replaced by G.
Protein change: p.Pro566Ala; replaces proline 566 with alanine.
Molecular consequence: missense variant.
Genome position (GRCh38, 1-based): chr8:60,781,030, C>G. VCF-style: chr8-60781030-C-G. GRCh37 (hg19) VCF-style: chr8-61693589-C-G.
Other names: c.1696C>G, p.Pro566Ala (NM_001316690.1); short protein forms P566A.
Identifiers: ClinVar variation 960525 (VCV000960525.16), dbSNP rs764518030, ClinGen allele CA4759556.